The following is an entry in ClinVar:

NM_020949.3(SLC7A14):c.1768A>C (p.Ile590Leu)

Genes: SLC7A14 (solute carrier family 7 member 14; minus strand), SLC7A14-AS1 (SLC7A14 antisense RNA 1; plus strand). Cytogenetic location: 3q26.2.
Variant type: single nucleotide variant.
Coding change: c.1768A>C on transcript NM_020949.3 (MANE Select); coding-DNA position 1768, A replaced by C.
Protein change: p.Ile590Leu; replaces isoleucine 590 with leucine.
Molecular consequence: missense variant.
Genome position (GRCh38, 1-based): chr3:170,480,514, T>G on the plus strand (A>C on the coding strand, the complement: SLC7A14 is on the minus strand). VCF-style: chr3-170480514-T-G. GRCh37 (hg19) VCF-style: chr3-170198303-T-G.
Other names: short protein forms I590L.
Identifiers: ClinVar variation 1008732 (VCV001008732.8), dbSNP rs1211327416, ClinGen allele CA355489280.

ClinVar aggregate classification (germline): Uncertain significance (1 of 4 stars; one submission).

Allele frequency attached by ClinVar (database versions not stated): gnomAD exomes 0.00001; TOPMed 0.00001.
gnomAD v4.1: 1 of 1,614,138 alleles (0.000062%); highest among the groups gnomAD compares: East Asian, 0.0022%; no homozygotes.

Submission:

Labcorp Genetics (formerly Invitae), Labcorp
Classification: Uncertain significance. Last evaluated: 2022-08-16. Review status: criteria provided, single submitter. Criteria: Invitae Variant Classification Sherloc (09022015). Collection method: clinical testing. Allele origin: germline.
Comment: This variant is present in population databases (no rsID available, gnomAD 0.01%). This sequence change replaces isoleucine, which is neutral and non-polar, with leucine, which is neutral and non-polar, at codon 590 of the SLC7A14 protein (p.Ile590Leu). This variant has not been reported in the literature in individuals affected with SLC7A14-related conditions. In summary, the available evidence is currently insufficient to determine the role of this variant in disease. Therefore, it has been classified as a Variant of Uncertain Significance. Algorithms developed to predict the effect of missense changes on protein structure and function (SIFT, PolyPhen-2, Align-GVGD) all suggest that this variant is likely to be tolerated. ClinVar contains an entry for this variant (Variation ID: 1008732).